The following is an entry in ClinVar:

ClinVar aggregate classification (germline): Uncertain significance (1 of 4 stars; one submission).

Conditions:
Ullrich congenital muscular dystrophy 2 (UCMD2). Identifiers: Orphanet 75840, MedGen C4225314, MONDO:0014654, OMIM 616470.
Bethlem myopathy 2 (BTHLM2). Identifiers: Orphanet 536516, Orphanet 610, MedGen C4225313, MONDO:0034022, OMIM 616471.

Submission:

Labcorp Genetics (formerly Invitae), Labcorp
Classification: Uncertain significance for Bethlem myopathy 2; Ullrich congenital muscular dystrophy 2. Last evaluated: 2022-07-05. Review status: criteria provided, single submitter. Criteria: Invitae Variant Classification Sherloc (09022015). Collection method: clinical testing. Allele origin: germline.
Comment: In summary, the available evidence is currently insufficient to determine the role of this variant in disease. Therefore, it has been classified as a Variant of Uncertain Significance. Experimental studies and prediction algorithms are not available or were not evaluated, and the functional significance of this variant is currently unknown. ClinVar contains an entry for this variant (Variation ID: 842698). This variant has not been reported in the literature in individuals affected with COL12A1-related conditions. This variant is not present in population databases (gnomAD no frequency). This sequence change creates a premature translational stop signal (p.Tyr662Ilefs*30) in the COL12A1 gene. Multiple COL12A1 isoforms have been reported, and the functional impact of this variant is uncertain (PMID: 8601036).

Literature cited by the submitters: PubMed 8601036.

NM_004370.6(COL12A1):c.1984del (p.Tyr662fs)

Gene: COL12A1 (collagen type XII alpha 1 chain; minus strand). Cytogenetic location: 6q13.
Variant type: Deletion.
Coding change: c.1984del on transcript NM_004370.6 (MANE Select); coding-DNA position 1984, one base deleted (T; older notation c.1984delT).
Protein change: p.Tyr662fs; shifts the reading frame from tyrosine 662.
Molecular consequence: frameshift variant. On other transcripts: intron variant (1).
Genome position (GRCh38, 1-based): chr6:75,181,119, A deleted on the plus strand (T on the coding strand, the reverse complement: COL12A1 is on the minus strand). VCF-style (leftmost placement, unchanged base first): chr6-75181118-TA-T. GRCh37 (hg19) VCF-style: chr6-75890834-TA-T.
Other names: c.73+21601del (NM_080645.3); short protein forms Y662fs.
Identifiers: ClinVar variation 842698 (VCV000842698.10), dbSNP rs1769258754, ClinGen allele CA916082881.
Genomic context (GRCh38, chr6:75,181,118, plus strand): 5'-GATGCTGGCTCCACCACAGTGACCTCATCATCCCCAGCCGCTTCCTTGTAGGTGATGTGA[TA>T]TGAAAAAACATTTTCTCCAGCTGGAGACCAGTTGGTTTTGAAACCATAAGAAGTCACTTC-3'